The following is an entry in ClinVar:

ClinVar aggregate classification (germline): Likely pathogenic. Review status: criteria provided, multiple submitters, no conflicts (2 of 4 stars). 3 submissions from 2 submitters: Likely pathogenic (3). Last evaluated 2024-12-01.

Conditions:
KCNA3-associated disorder.
KCNA3-associated developmental and epileptic encephalopathy.

Submissions (3):

CeGaT Center for Human Genetics Tuebingen
Classification: Likely pathogenic. Last evaluated: 2024-12-01. Review status: criteria provided, single submitter. Criteria: CeGaT Center For Human Genetics Tuebingen Variant Classification Criteria Version 2. Collection method: clinical testing. Allele origin: germline. Affected: yes. Observed: 1 variant allele.
Comment: KCNA3: PM2, PP2, PP3, PS3:Supporting, PS4:Supporting

Institute of Human Genetics, University of Leipzig Medical Center
Classification: Likely pathogenic for KCNA3-associated developmental and epileptic encephalopathy. Last evaluated: 2023-02-14. Review status: criteria provided, single submitter. Criteria: ACMG Guidelines, 2015. Collection method: research. Allele origin: de novo. Inheritance: Autosomal dominant inheritance. Affected: yes. Observed: 1 variant allele.
Comment: This variant was identified as de novo (maternity and paternity confirmed). Criteria applied: PS3, PS2_MOD, PM2_SUP, PP3

Institute of Human Genetics, University of Leipzig Medical Center
Classification: Likely pathogenic for KCNA3-associated disorder. Last evaluated: 2023-02-14. Review status: criteria provided, single submitter. Criteria: ACMG Guidelines, 2015. Collection method: clinical testing. Allele origin: de novo. Inheritance: Autosomal dominant inheritance. Affected: yes.
Comment: Criteria applied: PS3,PS2_MOD,PM2_SUP,PP3; patient published in PMID: 37964487

Literature cited by the submitters: PubMed 37964487 (cited by Institute of Human Genetics, University of Leipzig Medical Center).

NM_002232.5(KCNA3):c.1430C>A (p.Pro477His)

Gene: KCNA3 (potassium voltage-gated channel subfamily A member 3; minus strand). Cytogenetic location: 1p13.3.
Variant type: single nucleotide variant.
Coding change: c.1430C>A on transcript NM_002232.5 (MANE Select); coding-DNA position 1430, C replaced by A.
Protein change: p.Pro477His; replaces proline 477 with histidine.
Molecular consequence: missense variant. On other transcripts: non-coding transcript variant (1).
Genome position (GRCh38, 1-based): chr1:110,673,380, G>T on the plus strand (C>A on the coding strand, the complement: KCNA3 is on the minus strand). VCF-style: chr1-110673380-G-T. GRCh37 (hg19) VCF-style: chr1-111216002-G-T.
Other names: short protein forms P477H.
Identifiers: ClinVar variation 2500299 (VCV002500299.16), dbSNP rs2524761170, ClinGen allele CA341807926.
Genomic context (GRCh38, chr1:110,673,380, plus strand): 5'-GATTGCTCTTCCCCTTCTGTCTCCCGGTGGTAGAAGTAATTGAAGTTGGAAACAATCACG[G>T]GAACTGGCAATGCGATGGTCAAGACACCGGCGATGGCACAGAGAGATCCCACAATCTTGC-3'
Protein context (NP_002223.3, residues 467-487): AGVLTIALPV[Pro477His]VIVSNFNYFY